The following is an entry in ClinVar:

NM_020461.4(TUBGCP6):c.4587C>T (p.Gly1529=)

Gene: TUBGCP6 (tubulin gamma complex component 6; minus strand). Cytogenetic location: 22q13.33.
Variant type: single nucleotide variant.
Coding change: c.4587C>T on transcript NM_020461.4 (MANE Select); coding-DNA position 4587, C replaced by T.
Protein change: p.Gly1529=; no amino-acid change (glycine 1529 retained).
Molecular consequence: synonymous variant.
Genome position (GRCh38, 1-based): chr22:50,219,107, G>A on the plus strand (C>T on the coding strand, the complement: TUBGCP6 is on the minus strand). VCF-style: chr22-50219107-G-A. GRCh37 (hg19) VCF-style: chr22-50657536-G-A.
Identifiers: ClinVar variation 437168 (VCV000437168.7), dbSNP rs554921650, ClinGen allele CA10307439.

ClinVar aggregate classification (germline): Uncertain significance. Review status: criteria provided, multiple submitters, no conflicts (2 of 4 stars). 2 submissions from 2 submitters: Uncertain significance (2). Last evaluated 2022-03-18.

Allele frequency attached by ClinVar (database versions not stated): TOPMed below 0.00001; gnomAD 0.00001 and 0.00002; gnomAD exomes 0.00001; ExAC 0.00002; 1000 Genomes Project 30x 0.00016; 1000 Genomes Project 0.00020.
gnomAD v4.1: 10 of 1,612,872 alleles (0.00062%); highest among the groups gnomAD compares: African/African-American, 0.0053%; no homozygotes.

Submissions (2):

Labcorp Genetics (formerly Invitae), Labcorp
Classification: Uncertain significance. Last evaluated: 2022-03-18. Review status: criteria provided, single submitter. Criteria: Invitae Variant Classification Sherloc (09022015). Collection method: clinical testing. Allele origin: germline.
Comment: This sequence change affects codon 1529 of the TUBGCP6 mRNA. It is a 'silent' change, meaning that it does not change the encoded amino acid sequence of the TUBGCP6 protein. The frequency data for this variant in the population databases is considered unreliable, as metrics indicate poor data quality at this position in the gnomAD database. This variant has not been reported in the literature in individuals affected with TUBGCP6-related conditions. ClinVar contains an entry for this variant (Variation ID: 437168). Algorithms developed to predict the effect of sequence changes on RNA splicing suggest that this variant may disrupt the consensus splice site. In summary, the available evidence is currently insufficient to determine the role of this variant in disease. Therefore, it has been classified as a Variant of Uncertain Significance.

Genetic Services Laboratory, University of Chicago
Classification: Uncertain significance. Last evaluated: 2016-11-23. Review status: criteria provided, single submitter. Criteria: ACMG Guidelines, 2015. Collection method: clinical testing. Allele origin: germline. Affected: no.